The following is an entry in ClinVar:

ClinVar aggregate classification (germline): Uncertain significance (1 of 4 stars; one submission).

Allele frequency attached by ClinVar (database versions not stated): gnomAD exomes below 0.00001; TOPMed below 0.00001; gnomAD 0.00001; ExAC 0.00002.
gnomAD v4.1: 6 of 1,614,026 alleles (0.00037%); highest among the groups gnomAD compares: East Asian, 0.0022%; no homozygotes.

Submission:

Labcorp Genetics (formerly Invitae), Labcorp
Classification: Uncertain significance. Last evaluated: 2023-08-30. Review status: criteria provided, single submitter. Criteria: Invitae Variant Classification Sherloc (09022015). Collection method: clinical testing. Allele origin: germline.
Comment: This variant has not been reported in the literature in individuals affected with TBCE-related conditions. In summary, the available evidence is currently insufficient to determine the role of this variant in disease. Therefore, it has been classified as a Variant of Uncertain Significance. Advanced modeling of protein sequence and biophysical properties (such as structural, functional, and spatial information, amino acid conservation, physicochemical variation, residue mobility, and thermodynamic stability) performed at Invitae indicates that this missense variant is expected to disrupt TBCE protein function. This variant is present in population databases (rs752745697, gnomAD 0.006%). This sequence change replaces alanine, which is neutral and non-polar, with threonine, which is neutral and polar, at codon 381 of the TBCE protein (p.Ala381Thr).

NM_003193.5(TBCE):c.1141G>A (p.Ala381Thr)

Gene: TBCE (tubulin folding cofactor E; plus strand). Cytogenetic location: 1q42.3.
Variant type: single nucleotide variant.
Coding change: c.1141G>A on transcript NM_003193.5 (MANE Select); coding-DNA position 1141, G replaced by A.
Protein change: p.Ala381Thr; replaces alanine 381 with threonine.
Molecular consequence: missense variant.
Genome position (GRCh38, 1-based): chr1:235,438,793, G>A. VCF-style: chr1-235438793-G-A. GRCh37 (hg19) VCF-style: chr1-235602108-G-A.
Other names: c.1141G>A, p.Ala381Thr (NM_001079515.3); c.1294G>A, p.Ala432Thr (NM_001287801.2); c.802G>A, p.Ala268Thr (NM_001287802.2); short protein forms A268T, A381T, A432T.
Identifiers: ClinVar variation 1928894 (VCV001928894.5), dbSNP rs752745697, ClinGen allele CA1464360.